The following is an entry in ClinVar:

NM_000384.3(APOB):c.1223T>C (p.Ile408Thr)

Gene: APOB (apolipoprotein B; minus strand). Cytogenetic location: 2p24.1.
Variant type: single nucleotide variant.
Coding change: c.1223T>C on transcript NM_000384.3 (MANE Select); coding-DNA position 1223, T replaced by C.
Protein change: p.Ile408Thr; replaces isoleucine 408 with threonine.
Molecular consequence: missense variant.
Genome position (GRCh38, 1-based): chr2:21,032,483, A>G on the plus strand (T>C on the coding strand, the complement: APOB is on the minus strand). VCF-style: chr2-21032483-A-G. GRCh37 (hg19) VCF-style: chr2-21255355-A-G.
Other names: short protein forms I408T.
Identifiers: ClinVar variation 334173 (VCV000334173.61), dbSNP rs12714225, ClinGen allele CA049695.

ClinVar aggregate classification (germline): Conflicting classifications of pathogenicity. Review status: criteria provided, conflicting classifications (1 of 4 stars). 18 submissions from 17 submitters: Uncertain significance (1); Benign (10); Likely benign (4). 3 of the submissions do not count toward it. Last evaluated 2026-04-01.

Conditions:
Hypercholesterolemia, familial, 1. Also called: LDL RECEPTOR DISORDER; Hyperlipoproteinemia Type IIa; HYPER-LOW-DENSITY-LIPOPROTEINEMIA; HYPERCHOLESTEROLEMIC XANTHOMATOSIS, FAMILIAL; Fredrickson type IIa hyperlipoproteinemia; Hyperlipoproteinemia type 2. Identifiers: Orphanet 391665, MedGen C0745103, MONDO:0007750, OMIM 143890.
Familial hypercholesterolemia. Also called: Familial hypercholesterolaemia; Familial hypercholesterolemias. Identifiers: MedGen C0020445, MONDO:0005439.
Cardiovascular phenotype. Identifiers: MedGen CN230736.
Hypercholesterolemia, autosomal dominant, type B (FHCL2). Also called: Familial hypercholesterolemia 2; APOB-Related Familial Hypercholesterolemia, Autosomal Dominant; APOLIPOPROTEIN B-100, FAMILIAL DEFECTIVE; APOLIPOPROTEIN B-100, FAMILIAL LIGAND-DEFECTIVE; Familial Hypercholesterolemia Type B; HYPERCHOLESTEROLEMIA, FAMILIAL, DUE TO LIGAND-DEFECTIVE APOLIPOPROTEIN B. Identifiers: MedGen C1704417, MONDO:0007751, OMIM 144010.
Familial hypobetalipoproteinemia 1. Also called: APOB-Related Familial Hypobetalipoproteinemia; Hypobetalipoproteinemia, normotriglyceridemic; Acanthocytosis with hypobetalipoproteinemia. Identifiers: MedGen C4551990, MONDO:0014252, OMIM 615558.

Allele frequency attached by ClinVar (database versions not stated): gnomAD exomes 0.00069; ExAC 0.00242; gnomAD 0.00723; 1000 Genomes Project 0.00819; TOPMed 0.00863; 1000 Genomes Project 30x 0.00874; ESP Exome Variant Server 0.00923.
gnomAD v4.1: 2,130 of 1,614,190 alleles (0.13%); highest among the groups gnomAD compares: African/African-American, 2.6%; 23 homozygotes.

Submissions (18):

CeGaT Center for Human Genetics Tuebingen
Classification: Benign. Last evaluated: 2026-04-01. Review status: criteria provided, single submitter. Criteria: CeGaT Center For Human Genetics Tuebingen Variant Classification Criteria Version 2. Collection method: clinical testing. Allele origin: germline. Affected: yes. Observed: 3 variant alleles.
Comment: APOB: BP4, BS1, BS2

Labcorp Genetics (formerly Invitae), Labcorp
Classification: Benign for Familial hypobetalipoproteinemia 1; Hypercholesterolemia, autosomal dominant, type B. Last evaluated: 2026-01-27. Review status: criteria provided, single submitter. Criteria: Invitae Variant Classification Sherloc (09022015). Collection method: clinical testing. Allele origin: germline.

Molecular Diagnostic Laboratory for Inherited Cardiovascular Disease, Montreal Heart Institute
Classification: Benign. Last evaluated: 2025-04-09. Review status: criteria provided, single submitter. Criteria: ACMG Guidelines, 2015. Collection method: clinical testing. Allele origin: germline. Affected: no.

ARUP Laboratories, Molecular Genetics and Genomics, ARUP Laboratories
Classification: Benign. Last evaluated: 2025-03-11. Review status: criteria provided, single submitter. Criteria: ARUP Molecular Germline Variant Investigation Process 2024. Collection method: clinical testing. Allele origin: germline.

Blueprint Genetics
Classification: Likely benign. Last evaluated: 2024-11-26. Review status: criteria provided, single submitter. Criteria: ACMG Guidelines, 2015. Collection method: clinical testing. Allele origin: germline.

Genomic Medicine Center of Excellence, King Faisal Specialist Hospital and Research Centre
Classification: Likely benign for Familial hypobetalipoproteinemia 1. Last evaluated: 2024-09-22. Review status: criteria provided, single submitter. Criteria: ACMG Guidelines, 2015. Collection method: clinical testing. Allele origin: germline.

GENinCode PLC
Classification: Benign for Familial hypercholesterolemia. Last evaluated: 2024-06-19. Review status: criteria provided, single submitter. Criteria: ACMG Guidelines, 2015. Collection method: clinical testing. Allele origin: germline.

Quest Diagnostics Nichols Institute San Juan Capistrano
Classification: Benign. Last evaluated: 2022-08-16. Review status: criteria provided, single submitter. Criteria: Quest Diagnostics criteria. Collection method: clinical testing. Allele origin: unknown.

Illumina Laboratory Services, Illumina
Classification: Likely benign for Familial hypobetalipoproteinemia 1. Last evaluated: 2019-05-14. Review status: criteria provided, single submitter. Criteria: ICSL Variant Classification Criteria 13 December 2019. Collection method: clinical testing. Allele origin: germline.
Comment: This variant was observed as part of a predisposition screen in an ostensibly healthy population. A literature search was performed for the gene, cDNA change, and amino acid change (where applicable). No publications were found based on this search. Allele frequency data from public databases allowed determination this variant is unlikely to cause disease. Therefore, this variant is classified as likely benign.

Illumina Laboratory Services, Illumina
Classification: Likely benign for Hypercholesterolemia, autosomal dominant, type B. Last evaluated: 2019-05-14. Review status: criteria provided, single submitter. Criteria: ICSL Variant Classification Criteria 13 December 2019. Collection method: clinical testing. Allele origin: germline.
Comment: the same text as in the submission from Illumina Laboratory Services, Illumina above.

Mayo Clinic Laboratories, Mayo Clinic
Classification: Benign. Last evaluated: 2018-09-07. Review status: criteria provided, single submitter. Criteria: ACMG Guidelines, 2015. Collection method: clinical testing. Allele origin: germline. Observed: 5 variant alleles.

GeneDx
Classification: Benign. Last evaluated: 2018-08-01. Review status: criteria provided, single submitter. Criteria: GeneDx Variant Classification Process June 2021. Collection method: clinical testing. Allele origin: germline. Affected: yes.
Comment: This variant is associated with the following publications: (PMID: 20592474, 29540175)

Ambry Genetics
Classification: Benign for Cardiovascular phenotype. Last evaluated: 2017-08-24. Review status: criteria provided, single submitter. Criteria: Ambry Variant Classification Scheme 2023. Collection method: clinical testing. Allele origin: germline.

Laboratory for Molecular Medicine, Mass General Brigham Personalized Medicine
Classification: Benign. Last evaluated: 2016-03-28. Review status: criteria provided, single submitter. Criteria: LMM Criteria. Collection method: clinical testing. Allele origin: germline.
Comment: Variant identified in a genome or exome case(s) and assessed due to predicted null impact of the variant or pathogenic assertions in the literature or databases. Disclaimer: This variant has not undergone full assessment. The following are preliminary notes: ExAC: 2.7% (279/10394) African chromosomes

Laboratory of Genetics and Molecular Cardiology, University of São Paulo
Classification: Uncertain significance for Familial hypercholesterolemia. Last evaluated: 2016-03-01. Review status: criteria provided, single submitter. Criteria: ACMG Guidelines, 2015. Collection method: research. Allele origin: germline. Study: HipercolBrasil.

Cohesion Phenomics
Classification: Likely benign for Familial hypercholesterolemia. Last evaluated: 2023-02-09. Review status: no assertion criteria provided. Criteria: ACMG Guidelines, 2015. Collection method: clinical testing. Allele origin: germline. Affected: yes. Not counted in ClinVar's aggregate classification.

Clinical Genetics, Academic Medical Center
Classification: Benign. Review status: no assertion criteria provided. Collection method: clinical testing. Allele origin: germline. Affected: yes. Study: VKGL Data-share Consensus. Not counted in ClinVar's aggregate classification.

Diagnostic Laboratory, Department of Genetics, University Medical Center Groningen
Classification: Likely benign. Review status: no assertion criteria provided. Collection method: clinical testing. Allele origin: germline. Affected: yes. Study: VKGL Data-share Consensus. Not counted in ClinVar's aggregate classification.

Literature cited by the submitters: PubMed 20592474 (cited by Quest Diagnostics Nichols Institute San Juan Capistrano); PubMed 29540175 (cited by Quest Diagnostics Nichols Institute San Juan Capistrano).